The following is an entry in ClinVar:

ClinVar aggregate classification (germline): Likely pathogenic (1 of 4 stars; one submission).

Conditions:
Charlevoix-Saguenay spastic ataxia (SACS). Also called: AUTOSOMAL RECESSIVE SPASTIC ATAXIA OF CHARLEVOIX-SAGUENAY; Spastic ataxia of Charlevoix-Saguenay; SPASTIC ATAXIA 6, AUTOSOMAL RECESSIVE. Identifiers: Orphanet 98, MedGen C1849140, MONDO:0010041, OMIM 270550.

Submission:

Myriad Genetics, Inc.
Classification: Likely pathogenic for Charlevoix-Saguenay spastic ataxia. Last evaluated: 2022-02-12. Review status: criteria provided, single submitter. Criteria: Myriad Women's Health Autosomal Recessive and X-Linked Classification Criteria (2021). Collection method: clinical testing. Allele origin: unknown.
Comment: NM_014363.4(SACS):c.1437G>A(W479*) is expected to be pathogenic in the context of autosomal recessive spastic ataxia of Charlevoix-Saguenay. This variant is predicted to lead to an abnormal or absent protein product due to the creation of a premature termination codon in SACS, a gene where loss-of-function variants are known to be pathogenic. Please note: this variant was assessed in the context of healthy population screening.

NM_014363.6(SACS):c.1437G>A (p.Trp479Ter)

Gene: SACS (sacsin molecular chaperone; minus strand). Cytogenetic location: 13q12.12.
Variant type: single nucleotide variant.
Coding change: c.1437G>A on transcript NM_014363.6 (MANE Select); coding-DNA position 1437, G replaced by A.
Protein change: p.Trp479Ter; replaces tryptophan 479 with a stop codon.
Molecular consequence: nonsense.
Genome position (GRCh38, 1-based): chr13:23,355,175, C>T on the plus strand (G>A on the coding strand, the complement: SACS is on the minus strand). VCF-style: chr13-23355175-C-T. GRCh37 (hg19) VCF-style: chr13-23929314-C-T.
Other names: c.996G>A, p.Trp332Ter (NM_001278055.2); short protein forms W332*, W479*.
Identifiers: ClinVar variation 1724386 (VCV001724386.2), dbSNP rs2542396806, ClinGen allele CA387548442.